The following is an entry in ClinVar:

ClinVar aggregate classification (germline): Likely benign (0 of 4 stars; one submission).

Conditions:
CACNA1G-related disorder. Also called: CACNA1G-related disorders; CACNA1G-related condition.

Allele frequency attached by ClinVar (database versions not stated): TOPMed below 0.00001.

Submission:

PreventionGenetics, part of Exact Sciences
Classification: Likely benign for CACNA1G-related condition. Last evaluated: 2020-10-26. Review status: no assertion criteria provided. Collection method: clinical testing. Allele origin: germline.
Comment: This variant is classified as likely benign based on ACMG/AMP sequence variant interpretation guidelines (Richards et al. 2015 PMID: 25741868, with internal and published modifications).

NM_018896.5(CACNA1G):c.586+10C>T

Gene: CACNA1G (calcium voltage-gated channel subunit alpha1 G; plus strand). Cytogenetic location: 17q21.33.
Variant type: single nucleotide variant.
Coding change: c.586+10C>T on transcript NM_018896.5 (MANE Select); 10 bases into the intron after coding-DNA position 586, C replaced by T.
Molecular consequence: intron variant.
Genome position (GRCh38, 1-based): chr17:50,569,813, C>T. VCF-style: chr17-50569813-C-T. GRCh37 (hg19) VCF-style: chr17-48647174-C-T.
Other names: c.586+10C>T (NM_001256325.2, NM_198377.3, NM_198380.3 and 24 more transcripts).
Identifiers: ClinVar variation 3032988 (VCV003032988.2), dbSNP rs2038947617, ClinGen allele CA2264090052.